The following is an entry in ClinVar:

ClinVar aggregate classification (germline): Uncertain significance (1 of 4 stars; one submission).

Conditions:
GBA1-related disorder. Also called: GBA1-related condition.

Submission:

3billion
Classification: Uncertain significance for GBA1-related disorder. Last evaluated: 2025-06-09. Review status: criteria provided, single submitter. Criteria: ACMG Guidelines, 2015. Collection method: clinical testing. Allele origin: germline. Affected: yes.
Comment: The variant is not observed in the gnomAD v4.1.0 dataset. Predicted Consequence/Location: Missense variant In silico tool predictions suggest damaging effect of the variant on gene or gene product [REVEL: 0.60 (>=0.6, sensitivity 0.68 and specificity 0.92); 3Cnet: 0.99 (> 0.75, sensitivity 0.96 and precision 0.92)]. Different missense changes at the same codon (p.Asn227, p.Asn227Arg, p.Asn227Ile, p.Asn227Lys, p.Asn227Ser) have been reported as pathogenic/likely pathogenic with strong evidence (ClinVar ID: VCV000004314, VCV000093458, VCV000167132, VCV003251365 /3billion dataset). Therefore, this variant is classified as VUS according to the recommendation of ACMG/AMP guideline.

NM_000157.4(GBA1):c.680A>C (p.Asn227Thr)

Genes: GBA1 (glucosylceramidase beta 1; minus strand), LOC106627981 (GBA recombination region; plus strand). Cytogenetic location: 1q22.
Variant type: single nucleotide variant.
Coding change: c.680A>C on transcript NM_000157.4 (MANE Select); coding-DNA position 680, A replaced by C.
Protein change: p.Asn227Thr; replaces asparagine 227 with threonine.
Molecular consequence: missense variant.
Genome position (GRCh38, 1-based): chr1:155,238,215, T>G on the plus strand (A>C on the coding strand, the complement: GBA1 is on the minus strand). VCF-style: chr1-155238215-T-G. GRCh37 (hg19) VCF-style: chr1-155208006-T-G.
Other names: c.680A>C, p.Asn227Thr (NM_001005741.3, NM_001005742.3); c.419A>C, p.Asn140Thr (NM_001171811.2); c.533A>C, p.Asn178Thr (NM_001171812.2); short protein forms N140T, N178T, N227T.
Identifiers: ClinVar variation 4855738 (VCV004855738.1).